The following is an entry in ClinVar:

NM_000550.3(TYRP1):c.955G>A (p.Val319Met)

Genes: LURAP1L-AS1 (LURAP1L antisense RNA 1; minus strand), TYRP1 (tyrosinase related protein 1; plus strand). Cytogenetic location: 9p23.
Variant type: single nucleotide variant.
Coding change: c.955G>A on transcript NM_000550.3 (MANE Select); coding-DNA position 955, G replaced by A.
Protein change: p.Val319Met; replaces valine 319 with methionine.
Molecular consequence: missense variant.
Genome position (GRCh38, 1-based): chr9:12,702,312, G>A. VCF-style: chr9-12702312-G-A. GRCh37 (hg19) VCF-style: chr9-12702312-G-A.
Other names: short protein forms V319M.
Identifiers: ClinVar variation 1364776 (VCV001364776.3), dbSNP rs928572918, ClinGen allele CA189311937.

ClinVar aggregate classification (germline): Uncertain significance (1 of 4 stars; one submission).

Allele frequency attached by ClinVar (database versions not stated): gnomAD exomes below 0.00001; gnomAD 0.00001.
gnomAD v4.1: 6 of 1,613,168 alleles (0.00037%); highest among the groups gnomAD compares: Admixed American, 0.0067%; no homozygotes.

Submission:

Labcorp Genetics (formerly Invitae), Labcorp
Classification: Uncertain significance. Last evaluated: 2022-04-16. Review status: criteria provided, single submitter. Criteria: Invitae Variant Classification Sherloc (09022015). Collection method: clinical testing. Allele origin: germline.
Comment: This sequence change replaces valine, which is neutral and non-polar, with methionine, which is neutral and non-polar, at codon 319 of the TYRP1 protein (p.Val319Met). This variant is not present in population databases (gnomAD no frequency). This variant has not been reported in the literature in individuals affected with TYRP1-related conditions. Algorithms developed to predict the effect of missense changes on protein structure and function are either unavailable or do not agree on the potential impact of this missense change (SIFT: "Deleterious"; PolyPhen-2: "Probably Damaging"; Align-GVGD: "Class C0"). In summary, the available evidence is currently insufficient to determine the role of this variant in disease. Therefore, it has been classified as a Variant of Uncertain Significance.